The following is an entry in ClinVar:

NM_000629.3(IFNAR1):c.1111A>G (p.Ile371Val)

Gene: IFNAR1 (interferon alpha and beta receptor subunit 1; plus strand). Cytogenetic location: 21q22.11.
Variant type: single nucleotide variant.
Coding change: c.1111A>G on transcript NM_000629.3 (MANE Select); coding-DNA position 1111, A replaced by G.
Protein change: p.Ile371Val; replaces isoleucine 371 with valine.
Molecular consequence: missense variant.
Genome position (GRCh38, 1-based): chr21:33,349,511, A>G. VCF-style: chr21-33349511-A-G. GRCh37 (hg19) VCF-style: chr21-34721817-A-G.
Other names: c.1111A>G, p.Ile371Val (NM_001384498.1, NM_001384499.1, NM_001384503.1); c.349A>G, p.Ile117Val (NM_001384500.1); c.1096A>G, p.Ile366Val (NM_001384501.1); c.649A>G, p.Ile217Val (NM_001384502.1); c.904A>G, p.Ile302Val (NM_001384504.1); c.1111A>G (NM_000629.2); short protein forms I117V, I217V, I302V, I366V, I371V.
Identifiers: ClinVar variation 1408467 (VCV001408467.5), dbSNP rs199515722, ClinGen allele CA10006659.
Genomic context (GRCh38, chr21:33,349,511, plus strand): 5'-GGTGCTCCAAAACAGTCTGGAAACACGCCTGTGATCCAGGATTATCCACTGATTTATGAA[A>G]TTATTTTTTGGGAAAACACTTCAAATGCTGAGGTAAAAAGACTGTATAGTATAATTTTGT-3'
Protein context (NP_000620.2, residues 361-381): VIQDYPLIYE[Ile371Val]IFWENTSNAE

ClinVar aggregate classification (germline): Conflicting classifications of pathogenicity. Review status: criteria provided, conflicting classifications (1 of 4 stars). 2 submissions from 2 submitters: Uncertain significance (1); Likely benign (1). Last evaluated 2025-12-23.

Allele frequency attached by ClinVar (database versions not stated): gnomAD 0.00009; ExAC 0.00010; gnomAD exomes 0.00010 and 0.00011; TOPMed 0.00011; ESP Exome Variant Server 0.00015.
gnomAD v4.1: 166 of 1,610,892 alleles (0.01%); highest among the groups gnomAD compares: Middle Eastern, 0.066%; no homozygotes.

Submissions (2):

Labcorp Genetics (formerly Invitae), Labcorp
Classification: Uncertain significance. Last evaluated: 2025-12-23. Review status: criteria provided, single submitter. Criteria: Invitae Variant Classification Sherloc (09022015). Collection method: clinical testing. Allele origin: germline.
Comment: This sequence change replaces isoleucine, which is neutral and non-polar, with valine, which is neutral and non-polar, at codon 371 of the IFNAR1 protein (p.Ile371Val). This variant is present in population databases (rs199515722, gnomAD 0.02%). This variant has not been reported in the literature in individuals affected with IFNAR1-related conditions. ClinVar contains an entry for this variant (Variation ID: 1408467). An algorithm developed to predict the effect of missense changes on protein structure and function outputs the following: PolyPhen-2: "Benign". The valine amino acid residue is found in multiple mammalian species, which suggests that this missense change does not adversely affect protein function. In summary, the available evidence is currently insufficient to determine the role of this variant in disease. Therefore, it has been classified as a Variant of Uncertain Significance.

Ambry Genetics
Classification: Likely benign. Last evaluated: 2024-05-24. Review status: criteria provided, single submitter. Criteria: Ambry Variant Classification Scheme 2023. Collection method: clinical testing. Allele origin: germline.